The following is an entry in ClinVar:

ClinVar aggregate classification (germline): Pathogenic. Review status: criteria provided, multiple submitters, no conflicts (2 of 4 stars). 6 submissions from 5 submitters: Pathogenic (4). 2 of the submissions do not count toward it. Last evaluated 2025-08-05.

Conditions:
CFTR-related disorder (CFTR-RD). Also called: CFTR-related disorders; CFTR-related condition. Identifiers: MedGen C5924204, MONDO:7770004.
Bronchiectasis with or without elevated sweat chloride 1 (BESC1). Also called: Cystic Fibrosis-Like Syndrome. Identifiers: Orphanet 60033, MedGen C2749757, MONDO:0008887, OMIM 211400.
Cystic fibrosis (CF). Also called: MUCOVISCIDOSIS. Identifiers: Orphanet 586, MedGen C0010674, MONDO:0009061, OMIM 219700. Disease mechanism: loss of function.

Allele frequency attached by ClinVar (database versions not stated): TOPMed below 0.00001.

Submissions (6):

Natera, Inc.
Classification: Pathogenic for CFTR-related disorders. Last evaluated: 2025-08-05. Review status: criteria provided, single submitter. Criteria: Natera Variant Classification Schema (03/2026). Collection method: clinical testing. Allele origin: germline.
Comment: The c.2440C>T variant in CFTR is a nonsense variant predicted to introduce a stop codon at amino acid 814. This variant is expected to result in nonsense mediated decay, truncation, or a dysfunctional protein product. This variant is rare in the general population with a frequency below the threshold expected for the associated phenotype(s). This variant has been observed in one or more individuals affected with the associated recessive disease, as either homozygous or compound heterozygous with a second variant (PMID: 12865275). Given the available evidence, this variant is classified as Pathogenic.

Baylor Genetics
Classification: Pathogenic for Bronchiectasis with or without elevated sweat chloride 1. Last evaluated: 2023-11-09. Review status: criteria provided, single submitter. Criteria: ACMG Guidelines, 2015. Collection method: clinical testing. Allele origin: unknown.

Genome Diagnostics Laboratory, The Hospital for Sick Children
Classification: Pathogenic for Cystic fibrosis. Last evaluated: 2019-07-23. Review status: criteria provided, single submitter. Criteria: ACMG Guidelines, 2015. Collection method: clinical testing. Allele origin: germline.

Labcorp Genetics (formerly Invitae), Labcorp
Classification: Pathogenic for Cystic fibrosis. Last evaluated: 2019-06-05. Review status: criteria provided, single submitter. Criteria: Invitae Variant Classification Sherloc (09022015). Collection method: clinical testing. Allele origin: germline.
Comment: For these reasons, this variant has been classified as Pathogenic. Loss-of-function variants in CFTR are known to be pathogenic (PMID: 1695717, 7691345, 9725922). This variant has been observed in individuals affected with cystic fibrosis (PMID: 12865275). ClinVar contains an entry for this variant (Variation ID: 53490). This variant is not present in population databases (ExAC no frequency). This sequence change creates a premature translational stop signal (p.Gln814*) in the CFTR gene. It is expected to result in an absent or disrupted protein product.

Genome Diagnostics Laboratory, The Hospital for Sick Children
Classification: Pathogenic for CFTR-related disorders. Last evaluated: 2019-07-23. Review status: no assertion criteria provided. Collection method: clinical testing. Allele origin: germline. Not counted in ClinVar's aggregate classification.

ClinVar Staff, National Center for Biotechnology Information (NCBI)
No classification provided. Condition: CFTR-related disorders. Review status: no classification provided. Collection method: literature only. Allele origin: germline. Affected: yes. Not counted in ClinVar's aggregate classification.

Literature cited by the submitters: PubMed 12865275 (cited by Natera, Inc. and Labcorp Genetics (formerly Invitae), Labcorp); PubMed 1695717 (cited by Labcorp Genetics (formerly Invitae), Labcorp); PubMed 7691345 (cited by Labcorp Genetics (formerly Invitae), Labcorp); PubMed 9725922 (cited by Labcorp Genetics (formerly Invitae), Labcorp); PubMed 20059485 (cited by ClinVar Staff, National Center for Biotechnology Information (NCBI)).

NM_000492.4(CFTR):c.2440C>T (p.Gln814Ter)

Gene: CFTR (CF transmembrane conductance regulator; plus strand). Cytogenetic location: 7q31.2.
Variant type: single nucleotide variant.
Coding change: c.2440C>T on transcript NM_000492.4 (MANE Select); coding-DNA position 2440, C replaced by T.
Protein change: p.Gln814Ter; replaces glutamine 814 with a stop codon.
Molecular consequence: nonsense.
Genome position (GRCh38, 1-based): chr7:117,592,607, C>T. VCF-style: chr7-117592607-C-T. GRCh37 (hg19) VCF-style: chr7-117232661-C-T.
Other names: short protein forms Q814*.
Identifiers: ClinVar variation 53490 (VCV000053490.14), dbSNP rs397508377, ClinGen allele CA326818.